The following is an entry in ClinVar:

NM_016816.4(OAS1):c.5T>C (p.Met2Thr)

Genes: OAS1 (2'-5'-oligoadenylate synthetase 1; plus strand), LOC130008812 (ATAC-STARR-seq lymphoblastoid active region 7052; plus strand). Cytogenetic location: 12q24.13.
Variant type: single nucleotide variant.
Coding change: c.5T>C on transcript NM_016816.4 (MANE Select); coding-DNA position 5, T replaced by C.
Protein change: p.Met2Thr; replaces methionine 2 with threonine.
Molecular consequence: missense variant.
Genome position (GRCh38, 1-based): chr12:112,907,044, T>C. VCF-style: chr12-112907044-T-C. GRCh37 (hg19) VCF-style: chr12-113344849-T-C.
Other names: c.5T>C, p.Met2Thr (NM_001032409.3, NM_001320151.2, NM_001406020.1 and 11 more transcripts); short protein forms M2T.
Identifiers: ClinVar variation 1721166 (VCV001721166.6), dbSNP rs772480478, ClinGen allele CA6799661.
Genomic context (GRCh38, chr12:112,907,044, plus strand): 5'-GAGATAAAAGCAAACAGGTCTGGGAGGCAGTTCTGTTGCCACTCTCTCTCCTGTCAATGA[T>C]GGATCTCAGAAATACCCCAGCCAAATCTCTGGACAAGTTCATTGAAGACTATCTCTTGCC-3'
Protein context (NP_058132.2, residues 1-12): M[Met2Thr]DLRNTPAKSL

ClinVar aggregate classification (germline): Uncertain significance (1 of 4 stars; one submission).

Allele frequency attached by ClinVar (database versions not stated): gnomAD exomes below 0.00001; ExAC 0.00001; TOPMed 0.00001.
gnomAD v4.1: 1 of 1,614,248 alleles (0.000062%); highest among the groups gnomAD compares: East Asian, 0.0022%; no homozygotes.

Submission:

Labcorp Genetics (formerly Invitae), Labcorp
Classification: Uncertain significance. Last evaluated: 2022-10-07. Review status: criteria provided, single submitter. Criteria: Invitae Variant Classification Sherloc (09022015). Collection method: clinical testing. Allele origin: germline.
Comment: This sequence change replaces methionine, which is neutral and non-polar, with threonine, which is neutral and polar, at codon 2 of the OAS1 protein (p.Met2Thr). This variant is present in population databases (rs772480478, gnomAD 0.006%). This variant has not been reported in the literature in individuals affected with OAS1-related conditions. Algorithms developed to predict the effect of missense changes on protein structure and function output the following: SIFT: "Not Available"; PolyPhen-2: "Benign"; Align-GVGD: "Not Available". The threonine amino acid residue is found in multiple mammalian species, which suggests that this missense change does not adversely affect protein function. In summary, the available evidence is currently insufficient to determine the role of this variant in disease. Therefore, it has been classified as a Variant of Uncertain Significance.